The following is an entry in ClinVar:

ClinVar aggregate classification (germline): Uncertain significance (1 of 4 stars; one submission).

Conditions:
Inborn genetic diseases. Identifiers: MedGen C0950123, MeSH D030342.

gnomAD v4.1: 14 of 1,614,194 alleles (0.00087%); highest among the groups gnomAD compares: Non-Finnish European, 0.0012%; no homozygotes.

Submission:

Ambry Genetics
Classification: Uncertain significance for Inborn genetic diseases. Last evaluated: 2025-04-22. Review status: criteria provided, single submitter. Criteria: Ambry Variant Classification Scheme 2023. Collection method: clinical testing. Allele origin: germline.
Comment: The p.Q703P variant (also known as c.2108A>C), located in coding exon 23 of the FANCA gene, results from an A to C substitution at nucleotide position 2108. The glutamine at codon 703 is replaced by proline, an amino acid with similar properties. This amino acid position is conserved. In addition, the in silico prediction for this alteration is inconclusive. Based on the available evidence, the clinical significance of this variant remains unclear.

NM_000135.4(FANCA):c.2108A>C (p.Gln703Pro)

Gene: FANCA (FA complementation group A; minus strand). Cytogenetic location: 16q24.3.
Variant type: single nucleotide variant.
Coding change: c.2108A>C on transcript NM_000135.4 (MANE Select); coding-DNA position 2108, A replaced by C.
Protein change: p.Gln703Pro; replaces glutamine 703 with proline.
Molecular consequence: missense variant.
Genome position (GRCh38, 1-based): chr16:89,771,721, T>G on the plus strand (A>C on the coding strand, the complement: FANCA is on the minus strand). VCF-style: chr16-89771721-T-G. GRCh37 (hg19) VCF-style: chr16-89838129-T-G.
Other names: c.2108A>C, p.Gln703Pro (NM_001286167.3); short protein forms Q703P.
Identifiers: ClinVar variation 4022216 (VCV004022216.1).